The following is an entry in ClinVar:

NM_000368.5(TSC1):c.3321C>G (p.Asp1107Glu)

Gene: TSC1 (TSC complex subunit 1; minus strand). Cytogenetic location: 9q34.13.
Variant type: single nucleotide variant.
Coding change: c.3321C>G on transcript NM_000368.5 (MANE Select); coding-DNA position 3321, C replaced by G.
Protein change: p.Asp1107Glu; replaces aspartic acid 1107 with glutamic acid.
Molecular consequence: missense variant.
Genome position (GRCh38, 1-based): chr9:132,896,409, G>C on the plus strand (C>G on the coding strand, the complement: TSC1 is on the minus strand). VCF-style: chr9-132896409-G-C. GRCh37 (hg19) VCF-style: chr9-135771796-G-C.
Other names: c.3318C>G, p.Asp1106Glu (NM_001162426.2); c.3168C>G, p.Asp1056Glu (NM_001162427.2); c.2958C>G, p.Asp986Glu (NM_001362177.2); c.3321C>G (NM_000368.4); short protein forms D1056E, D1106E, D1107E, D986E.
Identifiers: ClinVar variation 1061737 (VCV001061737.12), dbSNP rs118203752, ClinGen allele CA375366621.

ClinVar aggregate classification (germline): Conflicting classifications of pathogenicity. Review status: criteria provided, conflicting classifications (1 of 4 stars). 3 submissions from 3 submitters: Uncertain significance (2); Likely benign (1). Last evaluated 2026-07-10.

Conditions:
Hereditary cancer-predisposing syndrome. Also called: Tumor predisposition; Hereditary Cancer Syndrome; Hereditary neoplastic syndrome; Neoplastic Syndromes, Hereditary. Identifiers: Orphanet 140162, MedGen C0027672, MeSH D009386, MONDO:0015356.
Tuberous sclerosis 1 (TSC1). Identifiers: Orphanet 805, MedGen C1854465, MONDO:0008612, OMIM 191100.

Submissions (3):

Ambry Genetics
Classification: Likely benign for Hereditary cancer-predisposing syndrome. Last evaluated: 2026-07-10. Review status: criteria provided, single submitter. Criteria: Ambry Variant Classification Scheme 2023. Collection method: clinical testing. Allele origin: germline.

Labcorp Genetics (formerly Invitae), Labcorp
Classification: Uncertain significance for Tuberous sclerosis 1. Last evaluated: 2024-11-18. Review status: criteria provided, single submitter. Criteria: Invitae Variant Classification Sherloc (09022015). Collection method: clinical testing. Allele origin: germline.
Comment: This sequence change replaces aspartic acid, which is acidic and polar, with glutamic acid, which is acidic and polar, at codon 1107 of the TSC1 protein (p.Asp1107Glu). This variant is not present in population databases (gnomAD no frequency). This variant has not been reported in the literature in individuals affected with TSC1-related conditions. ClinVar contains an entry for this variant (Variation ID: 1061737). Invitae Evidence Modeling of protein sequence and biophysical properties (such as structural, functional, and spatial information, amino acid conservation, physicochemical variation, residue mobility, and thermodynamic stability) indicates that this missense variant is not expected to disrupt TSC1 protein function with a negative predictive value of 95%. In summary, the available evidence is currently insufficient to determine the role of this variant in disease. Therefore, it has been classified as a Variant of Uncertain Significance.

Women's Health and Genetics/Laboratory Corporation of America, LabCorp
Classification: Uncertain significance. Last evaluated: 2024-10-17. Review status: criteria provided, single submitter. Criteria: LabCorp Variant Classification Summary - May 2015. Collection method: clinical testing. Allele origin: germline.
Comment: Variant summary: TSC1 c.3321C>G (p.Asp1107Glu) results in a conservative amino acid change in the encoded protein sequence. Five of five in-silico tools predict a benign effect of the variant on protein function. The variant was absent in 251438 control chromosomes. The available data on variant occurrences in the general population are insufficient to allow any conclusion about variant significance. To our knowledge, no occurrence of c.3321C>G in individuals affected with Tuberous Sclerosis Complex and no experimental evidence demonstrating its impact on protein function have been reported. ClinVar contains an entry for this variant (Variation ID: 1061737). Based on the evidence outlined above, the variant was classified as uncertain significance.